The following is an entry in ClinVar:

NM_013450.4(BAZ2B):c.3680T>C (p.Val1227Ala)

Gene: BAZ2B (bromodomain adjacent to zinc finger domain 2B; minus strand). Cytogenetic location: 2q24.2.
Variant type: single nucleotide variant.
Coding change: c.3680T>C on transcript NM_013450.4 (MANE Select); coding-DNA position 3680, T replaced by C.
Protein change: p.Val1227Ala; replaces valine 1227 with alanine.
Molecular consequence: missense variant.
Genome position (GRCh38, 1-based): chr2:159,385,161, A>G on the plus strand (T>C on the coding strand, the complement: BAZ2B is on the minus strand). VCF-style: chr2-159385161-A-G. GRCh37 (hg19) VCF-style: chr2-160241672-A-G.
Other names: c.3572T>C, p.Val1191Ala (NM_001289975.1); c.3518T>C, p.Val1173Ala (NM_001329857.2); c.3605T>C, p.Val1202Ala (NM_001329858.2); short protein forms V1202A, V1173A, V1227A, V1191A.
Identifiers: ClinVar variation 4829768 (VCV004829768.1).

ClinVar aggregate classification (germline): Uncertain significance (1 of 4 stars; one submission).

Conditions:
Inborn genetic diseases. Identifiers: MedGen C0950123, MeSH D030342.

gnomAD v4.1: 2 of 1,612,064 alleles (0.00012%); highest among the groups gnomAD compares: Non-Finnish European, 0.00017%; no homozygotes.

Submission:

Ambry Genetics
Classification: Uncertain significance for Inborn genetic diseases. Last evaluated: 2026-02-24. Review status: criteria provided, single submitter. Criteria: Ambry Variant Classification Scheme 2023. Collection method: clinical testing. Allele origin: germline.
Comment: The c.3680T>C (p.V1227A) alteration is located in exon 23 (coding exon 21) of the BAZ2B gene. This alteration results from a T to C substitution at nucleotide position 3680, causing the valine (V) at amino acid position 1227 to be replaced by an alanine (A). Based on data from gnomAD, the C allele has an overall frequency of <0.001% (1/249182) total alleles studied. The highest observed frequency was 0.001% (1/113026) of European (non-Finnish) alleles. Based on insufficient or conflicting evidence, the clinical significance of this alteration remains unclear.